The following is an entry in ClinVar:

NM_152564.5(VPS13B):c.6970C>G (p.Leu2324Val)

Gene: VPS13B (vacuolar protein sorting 13 homolog B; plus strand). Cytogenetic location: 8q22.2.
Variant type: single nucleotide variant.
Coding change: c.6970C>G on transcript NM_152564.5 (MANE Select); coding-DNA position 6970, C replaced by G.
Protein change: p.Leu2324Val; replaces leucine 2324 with valine.
Molecular consequence: missense variant.
Genome position (GRCh38, 1-based): chr8:99,720,967, C>G. VCF-style: chr8-99720967-C-G. GRCh37 (hg19) VCF-style: chr8-100733195-C-G.
Other names: c.7045C>G, p.Leu2349Val (NM_017890.5); short protein forms L2349V, L2324V.
Identifiers: ClinVar variation 1351528 (VCV001351528.3), dbSNP rs2130343510, ClinGen allele CA371868529.

ClinVar aggregate classification (germline): Uncertain significance (1 of 4 stars; one submission).

Conditions:
Cohen syndrome (COH1). Also called: Cutis verticis gyrata, retinitis pigmentosa, and sensorineural deafness; PEPPER SYNDROME. Identifiers: Orphanet 193, MedGen C0265223, MONDO:0008999, OMIM 216550.

Allele frequency attached by ClinVar (database versions not stated): gnomAD exomes below 0.00001.
gnomAD v4.1: 3 of 1,613,980 alleles (0.00019%); highest among the groups gnomAD compares: Non-Finnish European, 0.00017%; no homozygotes.

Submission:

Labcorp Genetics (formerly Invitae), Labcorp
Classification: Uncertain significance for Cohen syndrome. Last evaluated: 2021-09-21. Review status: criteria provided, single submitter. Criteria: Invitae Variant Classification Sherloc (09022015). Collection method: clinical testing. Allele origin: germline.
Comment: This sequence change replaces leucine with valine at codon 2349 of the VPS13B protein (p.Leu2349Val). The leucine residue is moderately conserved and there is a small physicochemical difference between leucine and valine. This variant is not present in population databases (ExAC no frequency). This variant has not been reported in the literature in individuals affected with VPS13B-related conditions. Algorithms developed to predict the effect of missense changes on protein structure and function are either unavailable or do not agree on the potential impact of this missense change (SIFT: "Not Available"; PolyPhen-2: "Possibly Damaging"; Align-GVGD: "Not Available"). In summary, the available evidence is currently insufficient to determine the role of this variant in disease. Therefore, it has been classified as a Variant of Uncertain Significance.